The following is an entry in ClinVar:

NM_001318510.2(ACSL4):c.1906C>T (p.Pro636Ser)

Gene: ACSL4 (acyl-CoA synthetase long chain family member 4; minus strand). Cytogenetic location: Xq23.
Variant type: single nucleotide variant.
Coding change: c.1906C>T on transcript NM_001318510.2 (MANE Select); coding-DNA position 1906, C replaced by T.
Protein change: p.Pro636Ser; replaces proline 636 with serine.
Molecular consequence: missense variant.
Genome position (GRCh38, 1-based): chrX:109,644,136, G>A on the plus strand (C>T on the coding strand, the complement: ACSL4 is on the minus strand). VCF-style: chrX-109644136-G-A. GRCh37 (hg19) VCF-style: chrX-108887365-G-A.
Other names: c.2029C>T, p.Pro677Ser (NM_001318509.2, NM_022977.3); c.1906C>T, p.Pro636Ser (NM_004458.3); short protein forms P636S, P677S.
Identifiers: ClinVar variation 1710853 (VCV001710853.2), dbSNP rs2520758005, ClinGen allele CA414215226.

ClinVar aggregate classification (germline): Uncertain significance (1 of 4 stars; one submission).

Allele frequency attached by ClinVar (database versions not stated): gnomAD exomes below 0.00001.

Submission:

GeneDx
Classification: Uncertain significance. Last evaluated: 2022-04-11. Review status: criteria provided, single submitter. Criteria: GeneDx Variant Classification Process June 2021. Collection method: clinical testing. Allele origin: germline. Affected: yes.
Comment: Not observed at significant frequency in large population cohorts (gnomAD); In silico analysis supports that this missense variant has a deleterious effect on protein structure/function; Has not been previously published as pathogenic or benign to our knowledge